The following is an entry in ClinVar:

NM_006267.5(RANBP2):c.1063+3A>G

Gene: RANBP2 (RAN binding protein 2; plus strand). Cytogenetic location: 2q13.
Variant type: single nucleotide variant.
Coding change: c.1063+3A>G on transcript NM_006267.5 (MANE Select); 3 bases into the intron after coding-DNA position 1063, A replaced by G.
Molecular consequence: intron variant.
Genome position (GRCh38, 1-based): chr2:108,746,801, A>G. VCF-style: chr2-108746801-A-G. GRCh37 (hg19) VCF-style: chr2-109363257-A-G.
Identifiers: ClinVar variation 846296 (VCV000846296.7), dbSNP rs1467931249, ClinGen allele CA916082195.

ClinVar aggregate classification (germline): Uncertain significance (1 of 4 stars; one submission).

Conditions:
Familial acute necrotizing encephalopathy (IIAE3). Also called: ENCEPHALOPATHY, ACUTE, INFECTION-INDUCED, SUSCEPTIBILITY TO, 3; Susceptibility to Acute Necrotizing Encephalopathy 1. Identifiers: Orphanet 88619, MedGen C2675556, MONDO:0011953, OMIM 608033.

Submission:

Labcorp Genetics (formerly Invitae), Labcorp
Classification: Uncertain significance for Familial acute necrotizing encephalopathy. Last evaluated: 2019-03-06. Review status: criteria provided, single submitter. Criteria: Invitae Variant Classification Sherloc (09022015). Collection method: clinical testing. Allele origin: germline.
Comment: In summary, the available evidence is currently insufficient to determine the role of this variant in disease. Therefore, it has been classified as a Variant of Uncertain Significance. Nucleotide substitutions within the consensus splice site are a relatively common cause of aberrant splicing (PMID: 17576681, 9536098). Algorithms developed to predict the effect of sequence changes on RNA splicing suggest that this variant may disrupt the consensus splice site, but this prediction has not been confirmed by published transcriptional studies. This variant has not been reported in the literature in individuals with RANBP2-related conditions. The frequency data for this variant in the population databases is considered unreliable, as metrics indicate insufficient coverage at this position in the ExAC database. This sequence change falls in intron 8 of the RANBP2 gene. It does not directly change the encoded amino acid sequence of the RANBP2 protein, but it affects a nucleotide within the consensus splice site of the intron.

Literature cited by the submitters: PubMed 17576681; PubMed 9536098.